The following is an entry in ClinVar:

ClinVar aggregate classification (germline): Uncertain significance (1 of 4 stars; one submission).

gnomAD v4.1: 1 of 1,607,368 alleles (0.000062%); highest among the groups gnomAD compares: African/African-American, 0.0013%; no homozygotes.

Submission:

Labcorp Genetics (formerly Invitae), Labcorp
Classification: Uncertain significance. Last evaluated: 2022-03-12. Review status: criteria provided, single submitter. Criteria: Invitae Variant Classification Sherloc (09022015). Collection method: clinical testing. Allele origin: germline.
Comment: In summary, the available evidence is currently insufficient to determine the role of this variant in disease. Therefore, it has been classified as a Variant of Uncertain Significance. Algorithms developed to predict the effect of missense changes on protein structure and function (SIFT, PolyPhen-2, Align-GVGD) all suggest that this variant is likely to be tolerated. This variant has not been reported in the literature in individuals affected with HSPG2-related conditions. This variant is not present in population databases (gnomAD no frequency). This sequence change replaces proline, which is neutral and non-polar, with threonine, which is neutral and polar, at codon 405 of the HSPG2 protein (p.Pro405Thr).

NM_005529.7(HSPG2):c.1213C>A (p.Pro405Thr)

Gene: HSPG2 (heparan sulfate proteoglycan 2; minus strand). Cytogenetic location: 1p36.12.
Variant type: single nucleotide variant.
Coding change: c.1213C>A on transcript NM_005529.7 (MANE Select); coding-DNA position 1213, C replaced by A.
Protein change: p.Pro405Thr; replaces proline 405 with threonine.
Molecular consequence: missense variant.
Genome position (GRCh38, 1-based): chr1:21,885,155, G>T on the plus strand (C>A on the coding strand, the complement: HSPG2 is on the minus strand). VCF-style: chr1-21885155-G-T. GRCh37 (hg19) VCF-style: chr1-22211648-G-T.
Other names: c.1213C>A, p.Pro405Thr (NM_001291860.2); short protein forms P405T.
Identifiers: ClinVar variation 1946393 (VCV001946393.5), dbSNP rs766511202, ClinGen allele CA19159033.
Genomic context (GRCh38, chr1:21,885,155, plus strand): 5'-TCACTGTCTGGCCCCGGGAAGCCTGGATGGACTCCCGGGGAGGTGTCACCACCTGGGGGG[G>T]CACTGAGGAGACCAGGGCAGGAGTGAGGGGTCGGGGGCAAAGGAAGGAGGAGCGGAAGGA-3'
Protein context (NP_005520.4, residues 395-415): PDRSDEFGCM[Pro405Thr]PQVVTPPRES